The following is an entry in ClinVar:

NM_002485.5(NBN):c.1034G>C (p.Gly345Ala)

Gene: NBN (nibrin; minus strand). Cytogenetic location: 8q21.3.
Variant type: single nucleotide variant.
Coding change: c.1034G>C on transcript NM_002485.5 (MANE Select); coding-DNA position 1034, G replaced by C.
Protein change: p.Gly345Ala; replaces glycine 345 with alanine.
Molecular consequence: missense variant.
Genome position (GRCh38, 1-based): chr8:89,958,815, C>G on the plus strand (G>C on the coding strand, the complement: NBN is on the minus strand). VCF-style: chr8-89958815-C-G. GRCh37 (hg19) VCF-style: chr8-90971043-C-G.
Other names: c.788G>C, p.Gly263Ala (NM_001024688.3); short protein forms G263A, G345A.
Identifiers: ClinVar variation 1492710 (VCV001492710.8), dbSNP rs587780089, ClinGen allele CA371656743.

ClinVar aggregate classification (germline): Uncertain significance (1 of 4 stars; one submission).

Conditions:
Microcephaly, normal intelligence and immunodeficiency (NBS). Also called: BERLIN BREAKAGE SYNDROME; Nijmegen breakage syndrome; Microcephaly with normal intelligence immunodeficiency and lymphoreticular malignancies; Nonsyndromal microcephaly autosomal recessive with normal intelligence; Seemanova syndrome 2; IMMUNODEFICIENCY, MICROCEPHALY, AND CHROMOSOMAL INSTABILITY. Identifiers: Orphanet 647, MedGen C0398791, MONDO:0009623, OMIM 251260.

Submission:

Labcorp Genetics (formerly Invitae), Labcorp
Classification: Uncertain significance for Microcephaly, normal intelligence and immunodeficiency. Last evaluated: 2021-05-19. Review status: criteria provided, single submitter. Criteria: Invitae Variant Classification Sherloc (09022015). Collection method: clinical testing. Allele origin: germline.
Comment: In summary, the available evidence is currently insufficient to determine the role of this variant in disease. Therefore, it has been classified as a Variant of Uncertain Significance. Algorithms developed to predict the effect of missense changes on protein structure and function output the following: SIFT: "Tolerated"; PolyPhen-2: "Benign"; Align-GVGD: "Class C0". The alanine amino acid residue is found in multiple mammalian species, suggesting that this missense change does not adversely affect protein function. These predictions have not been confirmed by published functional studies and their clinical significance is uncertain. This variant has not been reported in the literature in individuals with NBN-related conditions. This variant is not present in population databases (ExAC no frequency). This sequence change replaces glycine with alanine at codon 345 of the NBN protein (p.Gly345Ala). The glycine residue is weakly conserved and there is a small physicochemical difference between glycine and alanine.